The following is an entry in ClinVar:

NM_004415.4(DSP):c.1587C>G (p.Tyr529Ter)

Gene: DSP (desmoplakin; plus strand). Cytogenetic location: 6p24.3.
Variant type: single nucleotide variant.
Coding change: c.1587C>G on transcript NM_004415.4 (MANE Select); coding-DNA position 1587, C replaced by G.
Protein change: p.Tyr529Ter; replaces tyrosine 529 with a stop codon.
Molecular consequence: nonsense.
Genome position (GRCh38, 1-based): chr6:7,570,449, C>G. VCF-style: chr6-7570449-C-G. GRCh37 (hg19) VCF-style: chr6-7570682-C-G.
Other names: c.1587C>G, p.Tyr529Ter (NM_001008844.3, NM_001319034.2); short protein forms Y529*.
Identifiers: ClinVar variation 3776222 (VCV003776222.1).

ClinVar aggregate classification (germline): Likely pathogenic (1 of 4 stars; one submission).

Conditions:
Arrhythmogenic right ventricular dysplasia 8 (ARVD8). Also called: ARRHYTHMOGENIC RIGHT VENTRICULAR DYSPLASIA, FAMILIAL, 8; ARRHYTHMOGENIC RIGHT VENTRICULAR CARDIOMYOPATHY 8; Arrhythmogenic Right Ventricular Dysplasia/Cardiomyopathy 8. Identifiers: MedGen C1843896, MONDO:0011831, OMIM 607450.

gnomAD v4.1: 1 of 1,614,152 alleles (0.000062%); no homozygotes.

Submission:

3billion
Classification: Likely pathogenic for Arrhythmogenic right ventricular dysplasia 8. Last evaluated: 2023-10-17. Review status: criteria provided, single submitter. Criteria: ACMG Guidelines, 2015. Collection method: clinical testing. Allele origin: germline. Affected: yes.
Comment: The variant is not observed in the gnomAD v2.1.1 dataset. Predicted Consequence/Location: Stop-gained (nonsense): predicted to result in a loss or disruption of normal protein function through nonsense-mediated decay (NMD) or protein truncation. Multiple pathogenic variants are reported downstream of the variant. Therefore, this variant is classified as Likely pathogenic according to the recommendation of ACMG/AMP guideline.